The following is an entry in ClinVar:

NM_001351307.2(DUXB):c.615C>T (p.Ser205=)

Gene: DUXB (double homeobox B; minus strand). Cytogenetic location: 16q23.1.
Variant type: single nucleotide variant.
Coding change: c.615C>T on transcript NM_001351307.2 (MANE Select); coding-DNA position 615, C replaced by T.
Protein change: p.Ser205=; no amino-acid change (serine 205 retained).
Molecular consequence: synonymous variant.
Genome position (GRCh38, 1-based): chr16:75,694,352, G>A on the plus strand (C>T on the coding strand, the complement: DUXB is on the minus strand). VCF-style: chr16-75694352-G-A. GRCh37 (hg19) VCF-style: chr16-75728250-G-A.
Other names: c.354C>T, p.Ser118= (NM_001351308.2); c.174C>T, p.Ser58= (NM_001351309.2).
Identifiers: ClinVar variation 3904956 (VCV003904956.10).

ClinVar aggregate classification (germline): Likely benign (1 of 4 stars; one submission).

gnomAD v4.1: 283 of 653,312 alleles (0.043%); highest among the groups gnomAD compares: Middle Eastern, 0.44%; no homozygotes.

Submission:

CeGaT Center for Human Genetics Tuebingen
Classification: Likely benign. Last evaluated: 2026-04-01. Review status: criteria provided, single submitter. Criteria: CeGaT Center For Human Genetics Tuebingen Variant Classification Criteria Version 2. Collection method: clinical testing. Allele origin: germline. Affected: yes. Observed: 3 variant alleles.
Comment: DUXB: BP4, BP7